The following is an entry in ClinVar:

NM_004168.4(SDHA):c.1004A>G (p.Lys335Arg)

Gene: SDHA (succinate dehydrogenase complex flavoprotein subunit A; plus strand). Cytogenetic location: 5p15.33.
Variant type: single nucleotide variant.
Coding change: c.1004A>G on transcript NM_004168.4 (MANE Select); coding-DNA position 1004, A replaced by G.
Protein change: p.Lys335Arg; replaces lysine 335 with arginine.
Molecular consequence: missense variant.
Genome position (GRCh38, 1-based): chr5:233,585, A>G. VCF-style: chr5-233585-A-G. GRCh37 (hg19) VCF-style: chr5-233700-A-G.
Other names: c.860A>G, p.Lys287Arg (NM_001294332.2); c.1004A>G, p.Lys335Arg (NM_001330758.2); short protein forms K335R, K287R.
Identifiers: ClinVar variation 3438699 (VCV003438699.1).
Genomic context (GRCh38, chr5:233,585, plus strand): 5'-GAGGCATTCTCATTAACAGTCAAGGCGAAAGGTTTATGGAGCGATACGCCCCTGTCGCGA[A>G]GGACCTGGCGTCTAGAGATGTGGTGTCTCGGTCCATGACTCTGGAGATCCGAGAAGGAAG-3'
Protein context (NP_004159.2, residues 325-345): RFMERYAPVA[Lys335Arg]DLASRDVVSR

ClinVar aggregate classification (germline): Uncertain significance (1 of 4 stars; one submission).

Conditions:
Hereditary cancer-predisposing syndrome. Also called: Tumor predisposition; Neoplastic Syndromes, Hereditary; Hereditary neoplastic syndrome; Hereditary Cancer Syndrome. Identifiers: Orphanet 140162, MedGen C0027672, MeSH D009386, MONDO:0015356.

Submission:

Ambry Genetics
Classification: Uncertain significance for Hereditary cancer-predisposing syndrome. Last evaluated: 2024-10-11. Review status: criteria provided, single submitter. Criteria: Ambry Variant Classification Scheme 2023. Collection method: clinical testing. Allele origin: germline.
Comment: The p.K335R variant (also known as c.1004A>G), located in coding exon 8 of the SDHA gene, results from an A to G substitution at nucleotide position 1004. The lysine at codon 335 is replaced by arginine, an amino acid with highly similar properties. This amino acid position is highly conserved in available vertebrate species. In addition, the in silico prediction for this alteration is inconclusive. Based on the available evidence, the clinical significance of this variant remains unclear.